The following is an entry in ClinVar:

NM_001256789.3(CACNA1F):c.1037A>G (p.Glu346Gly)

Gene: CACNA1F (calcium voltage-gated channel subunit alpha1 F; minus strand). Cytogenetic location: Xp11.23.
Variant type: single nucleotide variant.
Coding change: c.1037A>G on transcript NM_001256789.3 (MANE Select); coding-DNA position 1037, A replaced by G.
Protein change: p.Glu346Gly; replaces glutamic acid 346 with glycine.
Molecular consequence: missense variant.
Genome position (GRCh38, 1-based): chrX:49,228,117, T>C on the plus strand (A>G on the coding strand, the complement: CACNA1F is on the minus strand). VCF-style: chrX-49228117-T-C. GRCh37 (hg19) VCF-style: chrX-49084579-T-C.
Other names: c.1037A>G (NM_005183.2); c.842A>G, p.Glu281Gly (NM_001256790.3); c.1037A>G, p.Glu346Gly (NM_005183.4); short protein forms E281G, E346G.
Identifiers: ClinVar variation 1042371 (VCV001042371.8), dbSNP rs782197348, ClinGen allele CA10410961.

ClinVar aggregate classification (germline): Uncertain significance. Review status: criteria provided, multiple submitters, no conflicts (2 of 4 stars). 3 submissions from 3 submitters: Uncertain significance (3). Last evaluated 2025-08-04.

Conditions:
Inborn genetic diseases. Identifiers: MedGen C0950123, MeSH D030342.

Allele frequency attached by ClinVar (database versions not stated): ExAC 0.00001; gnomAD exomes 0.00002 and 0.00003; TOPMed 0.00004; gnomAD 0.00005 and 0.00007.

Submissions (3):

Labcorp Genetics (formerly Invitae), Labcorp
Classification: Uncertain significance. Last evaluated: 2025-08-04. Review status: criteria provided, single submitter. Criteria: Invitae Variant Classification Sherloc (09022015). Collection method: clinical testing. Allele origin: germline.
Comment: This sequence change replaces glutamic acid, which is acidic and polar, with glycine, which is neutral and non-polar, at codon 346 of the CACNA1F protein (p.Glu346Gly). This variant is present in population databases (rs782197348, gnomAD 0.007%). This variant has not been reported in the literature in individuals affected with CACNA1F-related conditions. ClinVar contains an entry for this variant (Variation ID: 1042371). Invitae Evidence Modeling of protein sequence and biophysical properties (such as structural, functional, and spatial information, amino acid conservation, physicochemical variation, residue mobility, and thermodynamic stability) indicates that this missense variant is not expected to disrupt CACNA1F protein function with a negative predictive value of 80%. In summary, the available evidence is currently insufficient to determine the role of this variant in disease. Therefore, it has been classified as a Variant of Uncertain Significance.

Ambry Genetics
Classification: Uncertain significance for Inborn genetic diseases. Last evaluated: 2024-08-05. Review status: criteria provided, single submitter. Criteria: Ambry Variant Classification Scheme 2023. Collection method: clinical testing. Allele origin: germline.

Blueprint Genetics
Classification: Uncertain significance. Last evaluated: 2020-06-30. Review status: criteria provided, single submitter. Criteria: ACMG Guidelines, 2015. Collection method: clinical testing. Allele origin: germline.